The following is an entry in ClinVar:

NM_003079.5(SMARCE1):c.1070G>A (p.Gly357Asp)

Gene: SMARCE1 (SWI/SNF related BAF chromatin remodeling complex subunit E1; minus strand). Cytogenetic location: 17q21.2.
Variant type: single nucleotide variant.
Coding change: c.1070G>A on transcript NM_003079.5 (MANE Select); coding-DNA position 1070, G replaced by A.
Protein change: p.Gly357Asp; replaces glycine 357 with aspartic acid.
Molecular consequence: missense variant.
Genome position (GRCh38, 1-based): chr17:40,628,951, C>T on the plus strand (G>A on the coding strand, the complement: SMARCE1 is on the minus strand). VCF-style: chr17-40628951-C-T. GRCh37 (hg19) VCF-style: chr17-38785203-C-T.
Other names: short protein forms G357D.
Identifiers: ClinVar variation 1410751 (VCV001410751.12), dbSNP rs2143980805, ClinGen allele CA399361582.

ClinVar aggregate classification (germline): Conflicting classifications of pathogenicity. Review status: criteria provided, conflicting classifications (1 of 4 stars). 4 submissions from 4 submitters: Uncertain significance (3); Likely benign (1). Last evaluated 2023-08-18.

Conditions:
Hereditary cancer-predisposing syndrome. Also called: Hereditary Cancer Syndrome; Tumor predisposition; Hereditary neoplastic syndrome; Neoplastic Syndromes, Hereditary. Identifiers: Orphanet 140162, MedGen C0027672, MeSH D009386, MONDO:0015356.
Familial meningioma. Also called: Meningioma, familial, susceptibility to. Identifiers: Orphanet 263662, MedGen C3551915, MONDO:0011789, OMIM 607174.

Allele frequency attached by ClinVar (database versions not stated): gnomAD exomes below 0.00001.
gnomAD v4.1: 3 of 1,613,834 alleles (0.00019%); highest among the groups gnomAD compares: Non-Finnish European, 0.00025%; no homozygotes.

Submissions (4):

Labcorp Genetics (formerly Invitae), Labcorp
Classification: Uncertain significance for Familial meningioma. Last evaluated: 2023-08-18. Review status: criteria provided, single submitter. Criteria: Invitae Variant Classification Sherloc (09022015). Collection method: clinical testing. Allele origin: germline.
Comment: In summary, the available evidence is currently insufficient to determine the role of this variant in disease. Therefore, it has been classified as a Variant of Uncertain Significance. Advanced modeling of protein sequence and biophysical properties (such as structural, functional, and spatial information, amino acid conservation, physicochemical variation, residue mobility, and thermodynamic stability) performed at Invitae indicates that this missense variant is not expected to disrupt SMARCE1 protein function. ClinVar contains an entry for this variant (Variation ID: 1410751). This variant has not been reported in the literature in individuals affected with SMARCE1-related conditions. This variant is not present in population databases (gnomAD no frequency). This sequence change replaces glycine, which is neutral and non-polar, with aspartic acid, which is acidic and polar, at codon 357 of the SMARCE1 protein (p.Gly357Asp).

Baylor Genetics
Classification: Uncertain significance for Familial meningioma. Last evaluated: 2023-08-02. Review status: criteria provided, single submitter. Criteria: ACMG Guidelines, 2015. Collection method: clinical testing. Allele origin: unknown.

Women's Health and Genetics/Laboratory Corporation of America, LabCorp
Classification: Uncertain significance. Last evaluated: 2023-07-13. Review status: criteria provided, single submitter. Criteria: LabCorp Variant Classification Summary - May 2015. Collection method: clinical testing. Allele origin: germline.
Comment: Variant summary: SMARCE1 c.1070G>A (p.Gly357Asp) results in a non-conservative amino acid change in the encoded protein sequence. Three of five in-silico tools predict a benign effect of the variant on protein function. The variant was absent in 251044 control chromosomes (gnomAD). The available data on variant occurrences in the general population are insufficient to allow any conclusion about variant significance. To our knowledge, no occurrence of c.1070G>A in individuals affected with Familial Meningioma and no experimental evidence demonstrating its impact on protein function have been reported. Two ClinVar submitters have assessed the variant since 2014: one classified the variant as likely benign, and one as uncertain significance. Based on the evidence outlined above, the variant was classified as uncertain significance.

Ambry Genetics
Classification: Likely benign for Hereditary cancer-predisposing syndrome. Last evaluated: 2023-01-17. Review status: criteria provided, single submitter. Criteria: Ambry Variant Classification Scheme 2023. Collection method: clinical testing. Allele origin: germline.